The following is an entry in ClinVar:

NM_001048174.2(MUTYH):c.1487T>G (p.Met496Arg)

Gene: MUTYH (mutY DNA glycosylase; minus strand). Cytogenetic location: 1p34.1.
Variant type: single nucleotide variant.
Coding change: c.1487T>G on transcript NM_001048174.2 (MANE Select); coding-DNA position 1487, T replaced by G.
Protein change: p.Met496Arg; replaces methionine 496 with arginine.
Molecular consequence: missense variant. On other transcripts: non-coding transcript variant (7).
Genome position (GRCh38, 1-based): chr1:45,329,385, A>C on the plus strand (T>G on the coding strand, the complement: MUTYH is on the minus strand). VCF-style: chr1-45329385-A-C. GRCh37 (hg19) VCF-style: chr1-45795057-A-C.
Other names: c.1520T>G, p.Met507Arg (NM_001407077.1, NM_001293191.2, NM_001407069.1); c.1487T>G, p.Met496Arg (NM_001048171.2, NM_001048173.2, NM_001293195.2 and 6 more transcripts); c.1490T>G, p.Met497Arg (NM_001048172.2, NM_001407078.1, NM_001407086.1 and 1 more transcripts); c.1571T>G, p.Met524Arg (NM_001128425.2); c.1532T>G, p.Met511Arg (NM_001293190.2); c.1211T>G, p.Met404Arg (NM_001293192.2, NM_001407091.1, NM_001293196.2); c.1448T>G, p.Met483Arg (NM_001407079.1); c.1445T>G, p.Met482Arg (NM_001407080.1); and 5 more; short protein forms M503R, M510R, M511R, M521R, M482R, M496R, M497R, M381R.
Identifiers: ClinVar variation 4113378 (VCV004113378.1).

ClinVar aggregate classification (germline): Uncertain significance (1 of 4 stars; one submission).

Conditions:
Hereditary cancer-predisposing syndrome. Also called: Tumor predisposition; Neoplastic Syndromes, Hereditary; Hereditary neoplastic syndrome; Hereditary Cancer Syndrome. Identifiers: Orphanet 140162, MedGen C0027672, MeSH D009386, MONDO:0015356.

Submission:

Ambry Genetics
Classification: Uncertain significance for Hereditary cancer-predisposing syndrome. Last evaluated: 2025-08-27. Review status: criteria provided, single submitter. Criteria: Ambry Variant Classification Scheme 2023. Collection method: clinical testing. Allele origin: germline.
Comment: The p.M524R variant (also known as c.1571T>G), located in coding exon 16 of the MUTYH gene, results from a T to G substitution at nucleotide position 1571. The methionine at codon 524 is replaced by arginine, an amino acid with similar properties. This amino acid position is conserved. In addition, this alteration is predicted to be tolerated by in silico analysis. Based on the available evidence, the clinical significance of this variant remains unclear.